The following is an entry in ClinVar:

ClinVar aggregate classification (germline): Uncertain significance (0 of 4 stars; one submission).

Conditions:
BBS7-related disorder. Also called: BBS7-related condition.

gnomAD v4.1: 2 of 1,613,630 alleles (0.00012%); highest among the groups gnomAD compares: Non-Finnish European, 0.00017%; no homozygotes.

Submission:

PreventionGenetics, part of Exact Sciences
Classification: Uncertain significance for BBS7-related condition. Last evaluated: 2024-08-23. Review status: no assertion criteria provided. Collection method: clinical testing. Allele origin: germline.
Comment: The BBS7 c.916G>A variant is predicted to result in the amino acid substitution p.Val306Met. To our knowledge, this variant has not been reported in the literature. This variant is reported in 0.00088% of alleles in individuals of European (Non-Finnish) descent in gnomAD. At this time, the clinical significance of this variant is uncertain due to the absence of conclusive functional and genetic evidence.

NM_176824.3(BBS7):c.916G>A (p.Val306Met)

Gene: BBS7 (Bardet-Biedl syndrome 7; minus strand). Cytogenetic location: 4q27.
Variant type: single nucleotide variant.
Coding change: c.916G>A on transcript NM_176824.3 (MANE Select); coding-DNA position 916, G replaced by A.
Protein change: p.Val306Met; replaces valine 306 with methionine.
Molecular consequence: missense variant.
Genome position (GRCh38, 1-based): chr4:121,848,862, C>T on the plus strand (G>A on the coding strand, the complement: BBS7 is on the minus strand). VCF-style: chr4-121848862-C-T. GRCh37 (hg19) VCF-style: chr4-122770017-C-T.
Other names: c.916G>A, p.Val306Met (NM_018190.4); short protein forms V306M.
Identifiers: ClinVar variation 3358768 (VCV003358768.1).